The following is an entry in ClinVar:

NM_001378183.1(PIEZO2):c.383G>A (p.Gly128Glu)

Gene: PIEZO2 (piezo type mechanosensitive ion channel component 2; minus strand). Cytogenetic location: 18p11.22.
Variant type: single nucleotide variant.
Coding change: c.383G>A on transcript NM_001378183.1 (MANE Select); coding-DNA position 383, G replaced by A.
Protein change: p.Gly128Glu; replaces glycine 128 with glutamic acid.
Molecular consequence: missense variant.
Genome position (GRCh38, 1-based): chr18:10,871,362, C>T on the plus strand (G>A on the coding strand, the complement: PIEZO2 is on the minus strand). VCF-style: chr18-10871362-C-T. GRCh37 (hg19) VCF-style: chr18-10871360-C-T.
Other names: c.383G>A, p.Gly128Glu (NM_001410871.1, NM_022068.4); c.383G>A (NM_022068.2); short protein forms G128E.
Identifiers: ClinVar variation 3352005 (VCV003352005.2).

ClinVar aggregate classification (germline): Uncertain significance. Review status: criteria provided, single submitter (1 of 4 stars). 2 submissions from 2 submitters: Uncertain significance (1). 1 of the submissions does not count toward it. Last evaluated 2025-04-01.

Conditions:
Inborn genetic diseases. Identifiers: MedGen C0950123, MeSH D030342.
PIEZO2-related disorder. Also called: PIEZO2-related condition; PIEZO2-related disorders.

gnomAD v4.1: 4 of 1,537,192 alleles (0.00026%); highest among the groups gnomAD compares: Non-Finnish European, 0.00035%; no homozygotes.

Submissions (2):

Ambry Genetics
Classification: Uncertain significance for Inborn genetic diseases. Last evaluated: 2025-04-01. Review status: criteria provided, single submitter. Criteria: Ambry Variant Classification Scheme 2023. Collection method: clinical testing. Allele origin: germline.

PreventionGenetics, part of Exact Sciences
Classification: Uncertain significance for PIEZO2-related condition. Last evaluated: 2024-09-04. Review status: no assertion criteria provided. Collection method: clinical testing. Allele origin: germline. Not counted in ClinVar's aggregate classification.
Comment: The PIEZO2 c.383G>A variant is predicted to result in the amino acid substitution p.Gly128Glu. To our knowledge, this variant has not been reported in the literature. This variant is reported in 0.0027% of alleles in individuals of European (Non-Finnish) descent in gnomAD. At this time, the clinical significance of this variant is uncertain due to the absence of conclusive functional and genetic evidence.